The following is an entry in ClinVar:

ClinVar aggregate classification (germline): Conflicting classifications of pathogenicity. Review status: criteria provided, conflicting classifications (1 of 4 stars). 2 submissions from 2 submitters: Uncertain significance (1); Likely benign (1). Last evaluated 2026-02-03.

Conditions:
Primary hypomagnesemia (HOMG3). Also called: HYPOMAGNESEMIA 3, RENAL; HYPOMAGNESEMIA, FAMILIAL, WITH HYPERCALCIURIA AND NEPHROCALCINOSIS; HYPOMAGNESEMIA, ISOLATED RENAL; HYPOMAGNESEMIA, PRIMARY, DUE TO DEFECT IN RENAL TUBULAR TRANSPORT OF MAGNESIUM. Identifiers: Orphanet 31043, MedGen C0268448, MONDO:0009550, OMIM 248250.
CLDN16-related disorder. Also called: CLDN16-related condition.

Allele frequency attached by ClinVar (database versions not stated): gnomAD 0.00002 and 0.00004; gnomAD exomes 0.00002 and 0.00005; ExAC 0.00007; TOPMed 0.00007; 1000 Genomes Project 30x 0.00016; 1000 Genomes Project 0.00020.
gnomAD v4.1: 38 of 1,614,060 alleles (0.0024%); highest among the groups gnomAD compares: East Asian, 0.082%; no homozygotes.

Submissions (2):

PreventionGenetics, part of Exact Sciences
Classification: Likely benign for CLDN16-related condition. Last evaluated: 2026-02-03. Review status: criteria provided, single submitter. Criteria: ACMG Guidelines, 2015. Collection method: clinical testing. Allele origin: germline.
Comment: This variant is classified as likely benign based on ACMG/AMP sequence variant interpretation guidelines (Richards et al. 2015 PMID: 25741868, with internal and published modifications).

Illumina Laboratory Services, Illumina
Classification: Uncertain significance for Primary hypomagnesemia. Last evaluated: 2018-01-15. Review status: criteria provided, single submitter. Criteria: ICSL Variant Classification Criteria 13 December 2019. Collection method: clinical testing. Allele origin: germline.

NM_006580.4(CLDN16):c.99T>C (p.Ala33=)

Gene: CLDN16 (claudin 16; plus strand). Cytogenetic location: 3q28.
Variant type: single nucleotide variant.
Coding change: c.99T>C on transcript NM_006580.4 (MANE Select); coding-DNA position 99, T replaced by C.
Protein change: p.Ala33=; no amino-acid change (alanine 33 retained).
Molecular consequence: synonymous variant.
Genome position (GRCh38, 1-based): chr3:190,388,428, T>C. VCF-style: chr3-190388428-T-C. GRCh37 (hg19) VCF-style: chr3-190106217-T-C.
Other names: c.99T>C, p.Ala33= (NM_001378492.1, NM_001378493.1).
Identifiers: ClinVar variation 903127 (VCV000903127.5), dbSNP rs201545856, ClinGen allele CA2753739.